The following is an entry in ClinVar:

ClinVar aggregate classification (germline): Uncertain significance (1 of 4 stars; one submission).

Conditions:
Developmental and epileptic encephalopathy, 53. Also called: Epileptic encephalopathy, early infantile, 53. Identifiers: MedGen C4479313, MONDO:0033362, OMIM 617389.
Early-onset Parkinson disease 20. Also called: PARKINSON DISEASE 20, AUTOSOMAL RECESSIVE EARLY-ONSET. Identifiers: Orphanet 391411, MedGen C3809824, MONDO:0014233, OMIM 615530.

gnomAD v4.1: 2 of 1,511,136 alleles (0.00013%); highest among the groups gnomAD compares: Non-Finnish European, 0.00018%; no homozygotes.

Submission:

Labcorp Genetics (formerly Invitae), Labcorp
Classification: Uncertain significance for Developmental and epileptic encephalopathy, 53; Early-onset Parkinson disease 20. Last evaluated: 2022-07-25. Review status: criteria provided, single submitter. Criteria: Invitae Variant Classification Sherloc (09022015). Collection method: clinical testing. Allele origin: germline.
Comment: In summary, the available evidence is currently insufficient to determine the role of this variant in disease. Therefore, it has been classified as a Variant of Uncertain Significance. Algorithms developed to predict the effect of missense changes on protein structure and function (SIFT, PolyPhen-2, Align-GVGD) all suggest that this variant is likely to be disruptive. ClinVar contains an entry for this variant (Variation ID: 1502726). This variant has not been reported in the literature in individuals affected with SYNJ1-related conditions. This variant is not present in population databases (gnomAD no frequency). This sequence change replaces arginine, which is basic and polar, with cysteine, which is neutral and slightly polar, at codon 1158 of the SYNJ1 protein (p.Arg1158Cys).

NM_203446.3(SYNJ1):c.3355C>T (p.Arg1119Cys)

Gene: SYNJ1 (synaptojanin 1; minus strand). Cytogenetic location: 21q22.11.
Variant type: single nucleotide variant.
Coding change: c.3355C>T on transcript NM_203446.3 (MANE Select); coding-DNA position 3355, C replaced by T.
Protein change: p.Arg1119Cys; replaces arginine 1119 with cysteine.
Molecular consequence: missense variant.
Genome position (GRCh38, 1-based): chr21:32,645,682, G>A on the plus strand (C>T on the coding strand, the complement: SYNJ1 is on the minus strand). VCF-style: chr21-32645682-G-A. GRCh37 (hg19) VCF-style: chr21-34017992-G-A.
Other names: c.3355C>T, p.Arg1119Cys (NM_001160302.2); c.3340C>T, p.Arg1114Cys (NM_001160306.2); c.3472C>T, p.Arg1158Cys (NM_003895.4); short protein forms R1114C, R1119C, R1158C.
Identifiers: ClinVar variation 1502726 (VCV001502726.6), dbSNP rs1157846436, ClinGen allele CA410068235.